The following is an entry in ClinVar:

NM_182914.3(SYNE2):c.10139C>T (p.Thr3380Ile)

Gene: SYNE2 (spectrin repeat containing nuclear envelope protein 2; plus strand). Cytogenetic location: 14q23.2.
Variant type: single nucleotide variant.
Coding change: c.10139C>T on transcript NM_182914.3 (MANE Select); coding-DNA position 10139, C replaced by T.
Protein change: p.Thr3380Ile; replaces threonine 3380 with isoleucine.
Molecular consequence: missense variant.
Genome position (GRCh38, 1-based): chr14:64,062,822, C>T. VCF-style: chr14-64062822-C-T. GRCh37 (hg19) VCF-style: chr14-64529540-C-T.
Other names: c.10139C>T (NM_182914.2); c.10139C>T, p.Thr3380Ile (NM_015180.6); short protein forms T3380I.
Identifiers: ClinVar variation 2194144 (VCV002194144.5), dbSNP rs371329230, ClinGen allele CA7221430.

ClinVar aggregate classification (germline): Uncertain significance. Review status: criteria provided, multiple submitters, no conflicts (2 of 4 stars). 2 submissions from 2 submitters: Uncertain significance (2). Last evaluated 2025-06-15.

Conditions:
Emery-Dreifuss muscular dystrophy 5, autosomal dominant (EDMD5). Also called: EMERY-DREIFUSS MUSCULAR DYSTROPHY 5. Identifiers: Orphanet 261, MedGen C2751805, MONDO:0013072, OMIM 612999.

Allele frequency attached by ClinVar (database versions not stated): gnomAD 0.00001; TOPMed 0.00003; ExAC 0.00004; gnomAD exomes 0.00006; ESP Exome Variant Server 0.00008.
gnomAD v4.1: 93 of 1,613,910 alleles (0.0058%); highest among the groups gnomAD compares: Non-Finnish European, 0.0075%; no homozygotes.

Submissions (2):

Labcorp Genetics (formerly Invitae), Labcorp
Classification: Uncertain significance for Emery-Dreifuss muscular dystrophy 5, autosomal dominant. Last evaluated: 2025-06-15. Review status: criteria provided, single submitter. Criteria: Invitae Variant Classification Sherloc (09022015). Collection method: clinical testing. Allele origin: germline.
Comment: This sequence change replaces threonine, which is neutral and polar, with isoleucine, which is neutral and non-polar, at codon 3380 of the SYNE2 protein (p.Thr3380Ile). This variant is present in population databases (rs371329230, gnomAD 0.007%). This variant has not been reported in the literature in individuals affected with SYNE2-related conditions. ClinVar contains an entry for this variant (Variation ID: 2194144). An algorithm developed to predict the effect of missense changes on protein structure and function (PolyPhen-2) suggests that this variant is likely to be tolerated. In summary, the available evidence is currently insufficient to determine the role of this variant in disease. Therefore, it has been classified as a Variant of Uncertain Significance.

Revvity Omics, Revvity
Classification: Uncertain significance for Emery-Dreifuss muscular dystrophy 5, autosomal dominant. Last evaluated: 2019-08-13. Review status: criteria provided, single submitter. Criteria: ACMG Guidelines, 2015. Collection method: clinical testing. Allele origin: germline.